The following is an entry in ClinVar:

ClinVar aggregate classification (germline): Uncertain significance (1 of 4 stars; one submission).

Submission:

Labcorp Genetics (formerly Invitae), Labcorp
Classification: Uncertain significance. Last evaluated: 2024-11-11. Review status: criteria provided, single submitter. Criteria: Invitae Variant Classification Sherloc (09022015). Collection method: clinical testing. Allele origin: germline.
Comment: This variant, c.1018_1020del, results in the deletion of 1 amino acid(s) of the CACNA2D4 protein (p.Glu340del), but otherwise preserves the integrity of the reading frame. This variant is not present in population databases (gnomAD no frequency). This variant has not been reported in the literature in individuals affected with CACNA2D4-related conditions. Experimental studies and prediction algorithms are not available or were not evaluated, and the functional significance of this variant is currently unknown. Algorithms developed to predict the effect of sequence changes on RNA splicing suggest that this variant may disrupt the consensus splice site. In summary, the available evidence is currently insufficient to determine the role of this variant in disease. Therefore, it has been classified as a Variant of Uncertain Significance.

NM_172364.5(CACNA2D4):c.1018_1020del (p.Glu340del)

Gene: CACNA2D4 (calcium voltage-gated channel auxiliary subunit alpha2delta 4; minus strand). Cytogenetic location: 12p13.33.
Variant type: Deletion.
Coding change: c.1018_1020del on transcript NM_172364.5 (MANE Select); coding-DNA positions 1018 to 1020, 3 bases deleted (GAG; older notation c.1018_1020delGAG).
Protein change: p.Glu340del; deletes glutamic acid 340.
Genome position (GRCh38, 1-based): chr12:1,886,013-1,886,015, CTC deleted on the plus strand (GAG on the coding strand, the reverse complement: CACNA2D4 is on the minus strand). VCF-style (leftmost placement, unchanged base first): chr12-1886012-GCTC-G. GRCh37 (hg19) VCF-style: chr12-1995178-GCTC-G.
Other names: short protein forms E340del.
Identifiers: ClinVar variation 3692825 (VCV003692825.2).
Genomic context (GRCh38, chr12:1,886,012, plus strand): 5'-CGTGGACACTCACCTCTCGATTGTCTCGGTCCGCCTGGACGAGGATCCCTTTAAAACAAG[GCTC>G]GATGTAATGGACGTAGTCATTGTACTGCAGTTGCAGTGAGTTGAGGGGAGGTGGGGGGAG-3'